The following is an entry in ClinVar:

ClinVar aggregate classification (germline): Pathogenic/Likely pathogenic. Review status: criteria provided, multiple submitters, no conflicts (2 of 4 stars). 5 submissions from 5 submitters: Pathogenic (3); Likely pathogenic (2). Last evaluated 2025-05-17.

Conditions:
Hereditary cancer-predisposing syndrome. Also called: Hereditary Cancer Syndrome; Tumor predisposition; Neoplastic Syndromes, Hereditary; Hereditary neoplastic syndrome. Identifiers: Orphanet 140162, MedGen C0027672, MeSH D009386, MONDO:0015356.
Familial cancer of breast. Also called: Hereditary breast cancer; BREAST CANCER, FAMILIAL; hereditary breast carcinoma. Identifiers: Orphanet 227535, MedGen C0346153, MONDO:0016419, OMIM 114480. Disease mechanism: loss of function.

Submissions (5):

Ambry Genetics
Classification: Pathogenic for Hereditary cancer-predisposing syndrome. Last evaluated: 2025-05-17. Review status: criteria provided, single submitter. Criteria: Ambry Variant Classification Scheme 2023. Collection method: clinical testing. Allele origin: germline.
Comment: The p.Q164* pathogenic mutation (also known as c.490C>T), located in coding exon 4 of the BARD1 gene, results from a C to T substitution at nucleotide position 490. This changes the amino acid from a glutamine to a stop codon within coding exon 4. This variant is considered to be rare based on population cohorts in the Genome Aggregation Database (gnomAD). This alteration is expected to result in loss of function by premature protein truncation or nonsense-mediated mRNA decay. As such, this alteration is interpreted as a disease-causing mutation.

Myriad Genetics, Inc.
Classification: Pathogenic for Familial cancer of breast. Last evaluated: 2023-05-18. Review status: criteria provided, single submitter. Criteria: Myriad Autosomal Dominant, Autosomal Recessive and X-Linked Classification Criteria (2023). Collection method: clinical testing. Allele origin: unknown.
Comment: This variant is considered pathogenic. This variant creates a termination codon and is predicted to result in premature protein truncation.

Labcorp Genetics (formerly Invitae), Labcorp
Classification: Pathogenic for Familial cancer of breast. Last evaluated: 2019-02-05. Review status: criteria provided, single submitter. Criteria: Invitae Variant Classification Sherloc (09022015). Collection method: clinical testing. Allele origin: germline.
Comment: For these reasons, this variant has been classified as Pathogenic. This sequence change creates a premature translational stop signal (p.Gln164*) in the BARD1 gene. It is expected to result in an absent or disrupted protein product. This variant is not present in population databases (ExAC no frequency). This variant has not been reported in the literature in individuals with BARD1-related conditions. Loss-of-function variants in BARD1 are known to be pathogenic (PMID: 20077502, 21344236).

Genesis Genomics
Classification: Likely pathogenic for Familial cancer of breast. Review status: criteria provided, single submitter. Criteria: ACMG Guidelines, 2015. Collection method: clinical testing. Allele origin: germline. Affected: yes. Observed: 2 variant alleles.

Juno Genomics, Hangzhou Juno Genomics, Inc
Classification: Likely pathogenic for Familial cancer of breast. Review status: criteria provided, single submitter. Criteria: ACMG Guidelines, 2015. Collection method: clinical testing. Allele origin: germline.
Comment: Absent from controls (or at extremely low frequency if recessive) in Genome Aggregation Database.;Null variant in a gene where loss of function (LOF) is a known mechanism of disease.

Literature cited by the submitters: PubMed 20077502 (cited by Labcorp Genetics (formerly Invitae), Labcorp); PubMed 21344236 (cited by Labcorp Genetics (formerly Invitae), Labcorp).

NM_000465.4(BARD1):c.490C>T (p.Gln164Ter)

Gene: BARD1 (BRCA1 associated RING domain 1; minus strand). Cytogenetic location: 2q35.
Variant type: single nucleotide variant.
Coding change: c.490C>T on transcript NM_000465.4 (MANE Select); coding-DNA position 490, C replaced by T.
Protein change: p.Gln164Ter; replaces glutamine 164 with a stop codon.
Molecular consequence: nonsense. On other transcripts: non-coding transcript variant (2), intron variant (3).
Genome position (GRCh38, 1-based): chr2:214,781,384, G>A on the plus strand (C>T on the coding strand, the complement: BARD1 is on the minus strand). VCF-style: chr2-214781384-G-A. GRCh37 (hg19) VCF-style: chr2-215646108-G-A.
Other names: c.433C>T, p.Gln145Ter (NM_001282543.2); c.158+28028C>T (NM_001282548.2); c.215+15677C>T (NM_001282545.2); c.364+10913C>T (NM_001282549.2); c.490C>T (NM_000465.2); short protein forms Q145*, Q164*.
Identifiers: ClinVar variation 855383 (VCV000855383.14), dbSNP rs750350372, ClinGen allele CA350457536.